The following is an entry in ClinVar:

ClinVar aggregate classification (germline): Uncertain significance. Review status: criteria provided, multiple submitters, no conflicts (2 of 4 stars). 3 submissions from 3 submitters: Uncertain significance (3). Last evaluated 2026-01-01.

Conditions:
Retinitis pigmentosa (RP). Identifiers: Orphanet 791, MedGen C0035334, MeSH D012174, MONDO:0019200, OMIM 268000. Inheritance: Autosomal dominant, autosomal recessive and X linked inheritance.

Allele frequency attached by ClinVar (database versions not stated): ExAC 0.00004; gnomAD exomes 0.00004 and 0.00007; TOPMed 0.00005; gnomAD 0.00008 and 0.00009.
gnomAD v4.1: 69 of 1,614,040 alleles (0.0043%); highest among the groups gnomAD compares: Admixed American, 0.0083%; no homozygotes.

Submissions (3):

Labcorp Genetics (formerly Invitae), Labcorp
Classification: Uncertain significance. Last evaluated: 2026-01-01. Review status: criteria provided, single submitter. Criteria: Invitae Variant Classification Sherloc (09022015). Collection method: clinical testing. Allele origin: germline.
Comment: This sequence change replaces glutamic acid, which is acidic and polar, with alanine, which is neutral and non-polar, at codon 790 of the PCARE protein (p.Glu790Ala). This variant is present in population databases (rs200963687, gnomAD 0.1%). This variant has not been reported in the literature in individuals affected with PCARE-related conditions. ClinVar contains an entry for this variant (Variation ID: 896339). An algorithm developed to predict the effect of missense changes on protein structure and function (PolyPhen-2) suggests that this variant is likely to be tolerated. In summary, the available evidence is currently insufficient to determine the role of this variant in disease. Therefore, it has been classified as a Variant of Uncertain Significance.

Blueprint Genetics
Classification: Uncertain significance. Last evaluated: 2022-08-29. Review status: criteria provided, single submitter. Criteria: ACMG Guidelines, 2015. Collection method: clinical testing. Allele origin: germline.

Illumina Laboratory Services, Illumina
Classification: Uncertain significance for Retinitis pigmentosa. Last evaluated: 2018-03-16. Review status: criteria provided, single submitter. Criteria: ICSL Variant Classification Criteria 13 December 2019. Collection method: clinical testing. Allele origin: germline.

NM_001029883.3(PCARE):c.2369A>C (p.Glu790Ala)

Gene: PCARE (photoreceptor cilium actin regulator; minus strand). Cytogenetic location: 2p23.2.
Variant type: single nucleotide variant.
Coding change: c.2369A>C on transcript NM_001029883.3 (MANE Select); coding-DNA position 2369, A replaced by C.
Protein change: p.Glu790Ala; replaces glutamic acid 790 with alanine.
Molecular consequence: missense variant.
Genome position (GRCh38, 1-based): chr2:29,071,893, T>G on the plus strand (A>C on the coding strand, the complement: PCARE is on the minus strand). VCF-style: chr2-29071893-T-G. GRCh37 (hg19) VCF-style: chr2-29294759-T-G.
Other names: short protein forms E790A.
Identifiers: ClinVar variation 896339 (VCV000896339.8), dbSNP rs200963687, ClinGen allele CA1592216.